The following is an entry in ClinVar:

ClinVar aggregate classification (germline): Likely pathogenic. Review status: criteria provided, multiple submitters, no conflicts (2 of 4 stars). 2 submissions from 2 submitters: Likely pathogenic (2). Last evaluated 2025-10-23.

Conditions:
Age related macular degeneration 15. Also called: MACULAR DEGENERATION, AGE-RELATED, 15, SUSCEPTIBILITY TO. Identifiers: MedGen C3810042, MONDO:0014266, OMIM 615591.
Complement component 9 deficiency (C9D). Also called: C9 deficiency. Identifiers: MedGen C3151189, MONDO:0013445, OMIM 613825.

gnomAD v4.1: 5 of 1,610,708 alleles (0.00031%); highest among the groups gnomAD compares: East Asian, 0.0067%; no homozygotes.

Submissions (2):

Labcorp Genetics (formerly Invitae), Labcorp
Classification: Likely pathogenic. Last evaluated: 2025-10-23. Review status: criteria provided, single submitter. Criteria: Invitae Variant Classification Sherloc (09022015). Collection method: clinical testing. Allele origin: germline.
Comment: This sequence change affects a donor splice site in intron 9 of the C9 gene. It is expected to disrupt RNA splicing. Variants that disrupt the donor or acceptor splice site typically lead to a loss of protein function (PMID: 16199547), and loss-of-function variants in C9 are known to be pathogenic (PMID: 9144525, 9570574). This variant is present in population databases (rs112422455, gnomAD 0.006%). This variant has not been reported in the literature in individuals affected with C9-related conditions. Algorithms developed to predict the effect of sequence changes on RNA splicing suggest that this variant may disrupt the consensus splice site. In summary, the currently available evidence indicates that the variant is pathogenic, but additional data are needed to prove that conclusively. Therefore, this variant has been classified as Likely Pathogenic.

Juno Genomics, Hangzhou Juno Genomics, Inc
Classification: Likely pathogenic for Age related macular degeneration 15; Complement component 9 deficiency. Review status: criteria provided, single submitter. Criteria: ACMG Guidelines, 2015. Collection method: clinical testing. Allele origin: germline.
Comment: Absent from controls (or at extremely low frequency if recessive) in Genome Aggregation Database.;Null variant in a gene where loss of function (LOF) is a known mechanism of disease.

Literature cited by the submitters: PubMed 16199547 (cited by Labcorp Genetics (formerly Invitae), Labcorp); PubMed 9144525 (cited by Labcorp Genetics (formerly Invitae), Labcorp); PubMed 9570574 (cited by Labcorp Genetics (formerly Invitae), Labcorp).

NM_001737.5(C9):c.1416+1G>A

Gene: C9 (complement C9; minus strand). Cytogenetic location: 5p13.1.
Variant type: single nucleotide variant.
Coding change: c.1416+1G>A on transcript NM_001737.5 (MANE Select); the canonical splice donor site of the intron after coding-DNA position 1416, G replaced by A.
Molecular consequence: splice donor variant.
Genome position (GRCh38, 1-based): chr5:39,306,616, C>T on the plus strand (G>A on the coding strand, the complement: C9 is on the minus strand). VCF-style: chr5-39306616-C-T. GRCh37 (hg19) VCF-style: chr5-39306718-C-T.
Identifiers: ClinVar variation 4697535 (VCV004697535.3).